The following is an entry in ClinVar:

ClinVar aggregate classification (germline): Uncertain significance (1 of 4 stars; one submission).

Conditions:
Inborn genetic diseases. Identifiers: MedGen C0950123, MeSH D030342.

Submission:

Ambry Genetics
Classification: Uncertain significance for Inborn genetic diseases. Last evaluated: 2025-04-19. Review status: criteria provided, single submitter. Criteria: Ambry Variant Classification Scheme 2023. Collection method: clinical testing. Allele origin: germline.
Comment: The p.G209D variant (also known as c.626G>A) is located in coding exon 4 of the SLC37A4 gene. The glycine at codon 209 is replaced by aspartic acid, an amino acid with similar properties. This change occurs in the first base pair of coding exon 4. This amino acid position is conserved. In addition, this alteration is predicted to be deleterious by in silico analysis. Based on the available evidence, the clinical significance of this variant remains unclear.

NM_001164277.2(SLC37A4):c.626G>A (p.Gly209Asp)

Gene: SLC37A4 (solute carrier family 37 member 4; minus strand). Cytogenetic location: 11q23.3.
Variant type: single nucleotide variant.
Coding change: c.626G>A on transcript NM_001164277.2 (MANE Select); coding-DNA position 626, G replaced by A.
Protein change: p.Gly209Asp; replaces glycine 209 with aspartic acid.
Molecular consequence: missense variant.
Genome position (GRCh38, 1-based): chr11:119,027,095, C>T on the plus strand (G>A on the coding strand, the complement: SLC37A4 is on the minus strand). VCF-style: chr11-119027095-C-T. GRCh37 (hg19) VCF-style: chr11-118897805-C-T.
Other names: c.626G>A, p.Gly209Asp (NM_001164278.2, NM_001164280.2, NM_001467.6); c.407G>A, p.Gly136Asp (NM_001164279.2); short protein forms G209D, G136D.
Identifiers: ClinVar variation 3956735 (VCV003956735.1).
Genomic context (GRCh38, chr11:119,027,095, plus strand): 5'-AGCACCCACAGGTAAGGGGACAGCAGCAGCTCCTGCAGGGTGCTCTCCTCCTTCAAGGAG[C>T]CTGGAGGTGGGAAAAGGCTGGGCGTCAGGCTCTGCCCTGACTGCTCTCCCCAACCTGAAC-3'
Protein context (NP_001157749.1, residues 199-219): LDPMPSEGKK[Gly209Asp]SLKEESTLQE